The following is an entry in ClinVar:

ClinVar aggregate classification (germline): Uncertain significance. Review status: criteria provided, multiple submitters, no conflicts (2 of 4 stars). 2 submissions from 2 submitters: Uncertain significance (2). Last evaluated 2026-08-03.

Conditions:
Primary ciliary dyskinesia. Also called: Ciliary dyskinesia. Identifiers: Orphanet 244, MedGen C0008780, MONDO:0016575, HP:0012265.

Allele frequency attached by ClinVar (database versions not stated): TOPMed 0.00001.

Submissions (2):

Ambry Genetics
Classification: Uncertain significance for Primary ciliary dyskinesia. Last evaluated: 2026-08-03. Review status: criteria provided, single submitter. Criteria: Ambry Variant Classification Scheme 2023. Collection method: clinical testing. Allele origin: germline.
Comment: The p.A152T variant (also known as c.454G>A), located in coding exon 1 of the DNAAF5 gene, results from a G to A substitution at nucleotide position 454. The alanine at codon 152 is replaced by threonine, an amino acid with similar properties. This amino acid position is conserved. In addition, this alteration is predicted to be tolerated by in silico analysis. Based on the available evidence, the clinical significance of this variant remains unclear.

Labcorp Genetics (formerly Invitae), Labcorp
Classification: Uncertain significance for Primary ciliary dyskinesia. Last evaluated: 2024-12-21. Review status: criteria provided, single submitter. Criteria: Invitae Variant Classification Sherloc (09022015). Collection method: clinical testing. Allele origin: germline.
Comment: This sequence change replaces alanine, which is neutral and non-polar, with threonine, which is neutral and polar, at codon 152 of the DNAAF5 protein (p.Ala152Thr). This variant is not present in population databases (gnomAD no frequency). This variant has not been reported in the literature in individuals affected with DNAAF5-related conditions. ClinVar contains an entry for this variant (Variation ID: 836338). Invitae Evidence Modeling of protein sequence and biophysical properties (such as structural, functional, and spatial information, amino acid conservation, physicochemical variation, residue mobility, and thermodynamic stability) indicates that this missense variant is not expected to disrupt DNAAF5 protein function with a negative predictive value of 80%. In summary, the available evidence is currently insufficient to determine the role of this variant in disease. Therefore, it has been classified as a Variant of Uncertain Significance.

NM_017802.4(DNAAF5):c.454G>A (p.Ala152Thr)

Genes: DNAAF5 (dynein axonemal assembly factor 5; plus strand), PRKAR1B (protein kinase cAMP-dependent type I regulatory subunit beta; minus strand). Cytogenetic location: 7p22.3.
Variant type: single nucleotide variant.
Coding change: c.454G>A on transcript NM_017802.4 (MANE Select); coding-DNA position 454, G replaced by A.
Protein change: p.Ala152Thr; replaces alanine 152 with threonine.
Molecular consequence: missense variant. On other transcripts: non-coding transcript variant (1), intron variant (3).
Genome position (GRCh38, 1-based): chr7:727,174, G>A. VCF-style: chr7-727174-G-A. GRCh37 (hg19) VCF-style: chr7-766811-G-A.
Other names: c.-23+481C>T (NM_001164759.1); c.-23+416C>T (NM_001164758.2); c.-23+36C>T (NM_001164760.2); short protein forms A152T.
Identifiers: ClinVar variation 836338 (VCV000836338.11), dbSNP rs981760144, ClinGen allele CA152333442.
Genomic context (GRCh38, chr7:727,174, plus strand): 5'-CGCCGCCCGCCCGAGGCCTGTGAGGAGCTGCGCCTGGCGCTTGTGCAGCTGCTGGGCCTG[G>A]CCGTGGACCTGTGCGGCGCCGCGCTCGCGCCCCACCTGGACGACGCTCTGCGCGCGCTGC-3'
Protein context (NP_060272.3, residues 142-162): RLALVQLLGL[Ala152Thr]VDLCGAALAP